The following is an entry in ClinVar:

NM_005751.5(AKAP9):c.11564C>T (p.Ala3855Val)

Gene: AKAP9 (A-kinase anchoring protein 9; plus strand). Cytogenetic location: 7q21.2.
Variant type: single nucleotide variant.
Coding change: c.11564C>T on transcript NM_005751.5 (MANE Select); coding-DNA position 11564, C replaced by T.
Protein change: p.Ala3855Val; replaces alanine 3855 with valine.
Molecular consequence: missense variant.
Genome position (GRCh38, 1-based): chr7:92,108,511, C>T. VCF-style: chr7-92108511-C-T. GRCh37 (hg19) VCF-style: chr7-91737825-C-T.
Other names: c.6209C>T, p.Ala2070Val (NM_001379277.1); c.11540C>T, p.Ala3847Val (NM_147185.3); short protein forms A3847V, A2070V, A3855V.
Identifiers: ClinVar variation 1735341 (VCV001735341.7), dbSNP rs1292145089, ClinGen allele CA4338230.
Genomic context (GRCh38, chr7:92,108,511, plus strand): 5'-TTTCTGGATAACTTGATTCATGTACATATTTTTAATCCTTTAGGTACCCAGGCACTCCAG[C>T]TGATTTCAATCCTGGTTCTTTAGCATGTTCTCAGCTTCAGAATTACGATCCTGACAGAGC-3'
Protein context (NP_005742.4, residues 3845-3865): PFQNRYPGTP[Ala3855Val]DFNPGSLACS

ClinVar aggregate classification (germline): Uncertain significance. Review status: criteria provided, multiple submitters, no conflicts (2 of 4 stars). 2 submissions from 2 submitters: Uncertain significance (2). Last evaluated 2025-07-20.

Conditions:
Long QT syndrome (LQTS). Identifiers: MedGen C0023976, MeSH D008133, MONDO:0002442. Disease mechanism: loss of function. Inheritance: Various modes of inheritance.
Cardiovascular phenotype. Identifiers: MedGen CN230736.

Allele frequency attached by ClinVar (database versions not stated): gnomAD exomes below 0.00001; ExAC 0.00002.
gnomAD v4.1: 4 of 1,614,166 alleles (0.00025%); highest among the groups gnomAD compares: East Asian, 0.0022%; no homozygotes.

Submissions (2):

Labcorp Genetics (formerly Invitae), Labcorp
Classification: Uncertain significance for Long QT syndrome. Last evaluated: 2025-07-20. Review status: criteria provided, single submitter. Criteria: Invitae Variant Classification Sherloc (09022015). Collection method: clinical testing. Allele origin: germline.
Comment: This sequence change replaces alanine, which is neutral and non-polar, with valine, which is neutral and non-polar, at codon 3855 of the AKAP9 protein (p.Ala3855Val). This variant is present in population databases (no rsID available, gnomAD 0.006%). This variant has not been reported in the literature in individuals affected with AKAP9-related conditions. ClinVar contains an entry for this variant (Variation ID: 1735341). An algorithm developed to predict the effect of missense changes on protein structure and function (PolyPhen-2) suggests that this variant is likely to be disruptive. In summary, the available evidence is currently insufficient to determine the role of this variant in disease. Therefore, it has been classified as a Variant of Uncertain Significance.

Ambry Genetics
Classification: Uncertain significance for Cardiovascular phenotype. Last evaluated: 2022-04-23. Review status: criteria provided, single submitter. Criteria: Ambry Variant Classification Scheme 2023. Collection method: clinical testing. Allele origin: germline.
Comment: The p.A3855V variant (also known as c.11564C>T), located in coding exon 49 of the AKAP9 gene, results from a C to T substitution at nucleotide position 11564. The alanine at codon 3855 is replaced by valine, an amino acid with similar properties. This amino acid position is conserved. In addition, this alteration is predicted to be tolerated by in silico analysis. Since supporting evidence is limited at this time, the clinical significance of this alteration remains unclear.